The following is an entry in ClinVar:

NM_003737.4(DCHS1):c.8332A>G (p.Thr2778Ala)

Gene: DCHS1 (dachsous cadherin-related 1; minus strand). Cytogenetic location: 11p15.4.
Variant type: single nucleotide variant.
Coding change: c.8332A>G on transcript NM_003737.4 (MANE Select); coding-DNA position 8332, A replaced by G.
Protein change: p.Thr2778Ala; replaces threonine 2778 with alanine.
Molecular consequence: missense variant.
Genome position (GRCh38, 1-based): chr11:6,623,344, T>C on the plus strand (A>G on the coding strand, the complement: DCHS1 is on the minus strand). VCF-style: chr11-6623344-T-C. GRCh37 (hg19) VCF-style: chr11-6644575-T-C.
Other names: short protein forms T2778A.
Identifiers: ClinVar variation 2784797 (VCV002784797.3), dbSNP rs2493811161, ClinGen allele CA379481237.

ClinVar aggregate classification (germline): Uncertain significance (1 of 4 stars; one submission).

gnomAD v4.1: 1 of 1,596,464 alleles (0.000063%); no homozygotes.

Submission:

Labcorp Genetics (formerly Invitae), Labcorp
Classification: Uncertain significance. Last evaluated: 2023-11-21. Review status: criteria provided, single submitter. Criteria: Invitae Variant Classification Sherloc (09022015). Collection method: clinical testing. Allele origin: germline.
Comment: This sequence change replaces threonine, which is neutral and polar, with alanine, which is neutral and non-polar, at codon 2778 of the DCHS1 protein (p.Thr2778Ala). This variant is not present in population databases (gnomAD no frequency). This variant has not been reported in the literature in individuals affected with DCHS1-related conditions. Advanced modeling of protein sequence and biophysical properties (such as structural, functional, and spatial information, amino acid conservation, physicochemical variation, residue mobility, and thermodynamic stability) has been performed at Invitae for this missense variant, however the output from this modeling did not meet the statistical confidence thresholds required to predict the impact of this variant on DCHS1 protein function. In summary, the available evidence is currently insufficient to determine the role of this variant in disease. Therefore, it has been classified as a Variant of Uncertain Significance.